The following is an entry in ClinVar:

ClinVar aggregate classification (germline): Pathogenic/Likely pathogenic. Review status: criteria provided, multiple submitters, no conflicts (2 of 4 stars). 6 submissions from 6 submitters: Pathogenic (5); Likely pathogenic (1). Last evaluated 2025-05-14.

Conditions:
Juvenile myelomonocytic leukemia (JMML). Also called: LEUKEMIA, JUVENILE MYELOMONOCYTIC, SOMATIC. Identifiers: Orphanet 86834, MedGen C0349639, MONDO:0011908, OMIM 607785, HP:0012209.
Neurofibromatosis, type 1 (NF1). Also called: VON RECKLINGHAUSEN DISEASE; Peripheral type neurofibromatosis; Neurofibromatosis, type I; NEUROFIBROMATOSIS, TYPE I, SOMATIC. Identifiers: Orphanet 636, MedGen C0027831, MONDO:0018975, OMIM 162200. Disease mechanism: loss of function.
NF1-related disorder. Also called: NF1-related condition. Identifiers: MedGen CN379171.
Hereditary cancer-predisposing syndrome. Also called: Neoplastic Syndromes, Hereditary; Tumor predisposition; Hereditary Cancer Syndrome; Hereditary neoplastic syndrome. Identifiers: Orphanet 140162, MedGen C0027672, MeSH D009386, MONDO:0015356.
Cardiovascular phenotype. Identifiers: MedGen CN230736.

Submissions (6):

Ambry Genetics
Classification: Pathogenic for Cardiovascular phenotype; Hereditary cancer-predisposing syndrome. Last evaluated: 2025-05-14. Review status: criteria provided, single submitter. Criteria: Ambry Variant Classification Scheme 2023. Collection method: clinical testing. Allele origin: germline.
Comment: The c.6858+1G>T intronic pathogenic mutation results from a G to T substitution one nucleotide after coding exon 45 of the NF1 gene. The variant has been detected in multiple individuals with a clinical or suspected diagnosis of neurofibromatosis type 1 (Wimmer K et al. Hum Mutat, 2007 Jun;28:599-612; Ambry internal data). This variant was not reported in population-based cohorts in the Genome Aggregation Database (gnomAD). Alterations that disrupt the canonical splice site are expected to result in aberrant splicing. In silico splice site analysis predicts that this alteration will weaken the native splice donor site. RNA studies have demonstrated that this alteration results in a transcript predicted to lead to a protein with an in-frame deletion of 34 amino acids; the region predicted to be impacted is critical for protein function (Wimmer K et al. Hum Mutat, 2007 Jun;28:599-612; Ambry internal data). Based on the majority of available evidence to date, this variant is likely to be pathogenic.

Labcorp Genetics (formerly Invitae), Labcorp
Classification: Pathogenic for Neurofibromatosis, type 1. Last evaluated: 2024-12-18. Review status: criteria provided, single submitter. Criteria: Invitae Variant Classification Sherloc (09022015). Collection method: clinical testing. Allele origin: germline.
Comment: This sequence change affects a donor splice site in intron 45 of the NF1 gene. It is expected to disrupt RNA splicing. Variants that disrupt the donor or acceptor splice site typically lead to a loss of protein function (PMID: 16199547), and loss-of-function variants in NF1 are known to be pathogenic (PMID: 10712197, 23913538). This variant is not present in population databases (gnomAD no frequency). Disruption of this splice site has been observed in individual(s) with neurofibromatosis type 1 (PMID: 17311297, 31370276). ClinVar contains an entry for this variant (Variation ID: 547687). Algorithms developed to predict the effect of sequence changes on RNA splicing suggest that this variant may disrupt the consensus splice site. For these reasons, this variant has been classified as Pathogenic.

Baylor Genetics
Classification: Pathogenic for Juvenile myelomonocytic leukemia. Last evaluated: 2023-06-23. Review status: criteria provided, single submitter. Criteria: ACMG Guidelines, 2015. Collection method: clinical testing. Allele origin: unknown.

Mayo Clinic Laboratories, Mayo Clinic
Classification: Likely pathogenic. Last evaluated: 2022-10-07. Review status: criteria provided, single submitter. Criteria: ACMG Guidelines, 2015. Collection method: clinical testing. Allele origin: germline. Observed: 1 variant allele.
Comment: PM2, PVS1_strong

Blueprint Genetics
Classification: Pathogenic for NF1-related disorders. Last evaluated: 2021-11-30. Review status: criteria provided, single submitter. Criteria: ACMG Guidelines, 2015. Collection method: clinical testing. Allele origin: germline. Affected: yes. Observed: 2 variant alleles.

Center for Human Genetics, Inc
Classification: Pathogenic for Neurofibromatosis, type 1. Last evaluated: 2016-11-01. Review status: criteria provided, single submitter. Criteria: ACMG Guidelines, 2015. Collection method: clinical testing. Allele origin: germline. Affected: yes.

Literature cited by the submitters: PubMed 17311297 (cited by Ambry Genetics and Labcorp Genetics (formerly Invitae), Labcorp); PubMed 16199547 (cited by Labcorp Genetics (formerly Invitae), Labcorp); PubMed 10712197 (cited by Labcorp Genetics (formerly Invitae), Labcorp); PubMed 23913538 (cited by Labcorp Genetics (formerly Invitae), Labcorp); PubMed 31370276 (cited by Labcorp Genetics (formerly Invitae), Labcorp and Mayo Clinic Laboratories, Mayo Clinic); PubMed 25525159 (cited by Mayo Clinic Laboratories, Mayo Clinic).

NM_001042492.3(NF1):c.6921+1G>T

Gene: NF1 (neurofibromin 1; plus strand). Cytogenetic location: 17q11.2.
Variant type: single nucleotide variant.
Coding change: c.6921+1G>T on transcript NM_001042492.3 (MANE Select); the canonical splice donor site of the intron after coding-DNA position 6921, G replaced by T.
Molecular consequence: splice donor variant.
Genome position (GRCh38, 1-based): chr17:31,338,806, G>T. VCF-style: chr17-31338806-G-T. GRCh37 (hg19) VCF-style: chr17-29665824-G-T.
Other names: c.6858+1G>T (NM_000267.4).
Identifiers: ClinVar variation 547687 (VCV000547687.10), dbSNP rs1060500355, ClinGen allele CA399014459.